The following is an entry in ClinVar:

ClinVar aggregate classification (germline): Benign. Review status: criteria provided, multiple submitters, no conflicts (2 of 4 stars). 3 submissions from 3 submitters: Benign (2). 1 of the submissions does not count toward it. Last evaluated 2026-09-21.

Conditions:
Hypertrophic cardiomyopathy 2. Also called: TNNT2-Related Familial Hypertrophic Cardiomyopathy. Identifiers: MedGen C1861864, MONDO:0007266, OMIM 115195.

Submissions (3):

Molecular Diagnostic Laboratory for Inherited Cardiovascular Disease, Montreal Heart Institute
Classification: Benign. Last evaluated: 2026-09-21. Review status: criteria provided, single submitter. Criteria: ACMG Guidelines, 2015. Collection method: clinical testing. Allele origin: germline. Affected: no.
Comment: BA1

GeneDx
Classification: Benign. Last evaluated: 2018-06-14. Review status: criteria provided, single submitter. Criteria: GeneDx Variant Classification (06012015). Collection method: clinical testing. Allele origin: germline. Affected: yes.
Comment: This variant is considered likely benign or benign based on one or more of the following criteria: it is a conservative change, it occurs at a poorly conserved position in the protein, it is predicted to be benign by multiple in silico algorithms, and/or has population frequency not consistent with disease.

Institute of Human Genetics, University of Wuerzburg
Classification: Benign for Hypertrophic cardiomyopathy 2. Review status: no assertion criteria provided. Collection method: clinical testing. Allele origin: unknown. Affected: yes. Observed: 1 variant allele. Not counted in ClinVar's aggregate classification.

NM_001267550.2(TTN):c.38380+21_38380+23del

Gene: TTN (titin; minus strand). Cytogenetic location: 2q31.2.
Variant type: Deletion.
Coding change: c.38380+21_38380+23del on transcript NM_001267550.2 (MANE Select); bases 21 to 23 of the intron after coding-DNA position 38380, 3 bases deleted (GCT; older notation c.38380+21_38380+23delGCT).
Molecular consequence: intron variant.
Genome position (GRCh38, 1-based): chr2:178,654,185-178,654,187, AGC deleted on the plus strand (GCT on the coding strand, the reverse complement: TTN is on the minus strand); deleting any 3 consecutive bases within chr2:178,654,185-178,654,189 gives the same sequence; the c. name uses the placement nearest the transcript's 3' end. VCF-style (leftmost placement, unchanged base first): chr2-178654184-TAGC-T. GRCh37 (hg19) VCF-style: chr2-179518911-TAGC-T.
Other names: c.34523-1646_34523-1644delGCT (NM_001256850.1); c.13283-11870_13283-11868del (NM_003319.4); c.13859-11870_13859-11868del (NM_133437.4); c.13658-11870_13658-11868del (NM_133432.3); c.31742-1646_31742-1644del (NM_133378.4); c.34523-1646_34523-1644del (NM_001256850.1).
Identifiers: ClinVar variation 674549 (VCV000674549.3), dbSNP rs139167585, ClinGen allele CA1997152.